The following is an entry in ClinVar:

ClinVar aggregate classification (germline): Uncertain significance (1 of 4 stars; one submission).

Allele frequency attached by ClinVar (database versions not stated): gnomAD exomes below 0.00001 and 0.00001; TOPMed below 0.00001; gnomAD 0.00001.
gnomAD v4.1: 19 of 1,612,578 alleles (0.0012%); highest among the groups gnomAD compares: Non-Finnish European, 0.0016%; no homozygotes.

Submission:

GeneDx
Classification: Uncertain significance. Last evaluated: 2019-11-15. Review status: criteria provided, single submitter. Criteria: GeneDx Variant Classification Process June 2021. Collection method: clinical testing. Allele origin: germline. Affected: yes.
Comment: Has not been previously published as pathogenic or benign to our knowledge; Not observed at a significant frequency in large population cohorts (Lek et al., 2016); In silico analysis, which includes protein predictors and evolutionary conservation, supports that this variant does not alter protein structure/function

NM_022114.4(PRDM16):c.2239C>G (p.His747Asp)

Gene: PRDM16 (PR/SET domain 16; plus strand). Cytogenetic location: 1p36.32.
Variant type: single nucleotide variant.
Coding change: c.2239C>G on transcript NM_022114.4 (MANE Select); coding-DNA position 2239, C replaced by G.
Protein change: p.His747Asp; replaces histidine 747 with aspartic acid.
Molecular consequence: missense variant.
Genome position (GRCh38, 1-based): chr1:3,412,436, C>G. VCF-style: chr1-3412436-C-G. GRCh37 (hg19) VCF-style: chr1-3329000-C-G.
Other names: c.2239C>G, p.His747Asp (NM_199454.3); short protein forms H747D.
Identifiers: ClinVar variation 1310291 (VCV001310291.2), dbSNP rs1362090844, ClinGen allele CA337999966.